The following is an entry in ClinVar:

ClinVar aggregate classification (germline): Benign. Review status: criteria provided, multiple submitters, no conflicts (2 of 4 stars). 8 submissions from 8 submitters: Benign (8). Last evaluated 2026-02-01.

Conditions:
Atypical hemolytic-uremic syndrome. Identifiers: Orphanet 2134, MedGen C2931788, MONDO:0016244.

Submissions (8):

Labcorp Genetics (formerly Invitae), Labcorp
Classification: Benign. Last evaluated: 2026-02-01. Review status: criteria provided, single submitter. Criteria: Invitae Variant Classification Sherloc (09022015). Collection method: clinical testing. Allele origin: germline.

Blueprint Genetics
Classification: Benign. Last evaluated: 2024-11-26. Review status: criteria provided, single submitter. Criteria: ACMG Guidelines, 2015. Collection method: clinical testing. Allele origin: germline.

ARUP Laboratories, Molecular Genetics and Genomics, ARUP Laboratories
Classification: Benign. Last evaluated: 2024-10-17. Review status: criteria provided, single submitter. Criteria: ARUP Molecular Germline Variant Investigation Process 2024. Collection method: clinical testing. Allele origin: germline.

Mayo Clinic Laboratories, Mayo Clinic
Classification: Benign. Last evaluated: 2024-05-14. Review status: criteria provided, single submitter. Criteria: ACMG Guidelines, 2015. Collection method: clinical testing. Allele origin: germline. Observed: 21 variant alleles.

Genome Diagnostics Laboratory, The Hospital for Sick Children
Classification: Benign for Atypical hemolytic-uremic syndrome. Last evaluated: 2022-07-07. Review status: criteria provided, single submitter. Criteria: ACMG Guidelines, 2015. Collection method: clinical testing. Allele origin: germline.

GeneDx
Classification: Benign. Last evaluated: 2018-05-21. Review status: criteria provided, single submitter. Criteria: GeneDx Variant Classification Process June 2021. Collection method: clinical testing. Allele origin: germline. Affected: yes.

Laboratory for Molecular Medicine, Mass General Brigham Personalized Medicine
Classification: Benign. Last evaluated: 2012-12-19. Review status: criteria provided, single submitter. Criteria: LMM Criteria. Collection method: clinical testing. Allele origin: germline. Observed: 26 variant alleles.
Comment: This variant has been seen in 1.7% (37/2176) of chromosomes from a broad though clinically unspecified population (1000Genomes; dbSNP rs141686520).

PreventionGenetics, part of Exact Sciences
Classification: Benign. Review status: criteria provided, single submitter. Criteria: ACMG Guidelines, 2015. Collection method: clinical testing. Allele origin: germline.

NM_002473.6(MYH9):c.5766-3del

Gene: MYH9 (myosin heavy chain 9; minus strand). Cytogenetic location: 22q12.3.
Variant type: Deletion.
Coding change: c.5766-3del on transcript NM_002473.6 (MANE Select); 3 bases into the intron before coding-DNA position 5766, one base deleted (C; older notation c.5766-3delC).
Genome position (GRCh38, 1-based): chr22:36,282,788, G deleted on the plus strand (C on the coding strand, the reverse complement: MYH9 is on the minus strand); the first of 5 consecutive G bases (chr22:36,282,788-36,282,792); deleting any one gives the same sequence. VCF-style (leftmost placement, unchanged base first): chr22-36282787-TG-T. GRCh37 (hg19) VCF-style: chr22-36678833-TG-T.
Other names: p.?; c.5766-3delC (NM_002473.5).
Identifiers: ClinVar variation 44571 (VCV000044571.36), dbSNP rs141686520, ClinGen allele CA134560.